The following is an entry in ClinVar:

ClinVar aggregate classification (germline): Uncertain significance (1 of 4 stars; one submission).

Conditions:
Sulfite oxidase deficiency due to molybdenum cofactor deficiency type A. Also called: Molybdenum Cofactor Deficiency A; Molybdenum cofactor deficiency, complementation group A. Identifiers: Orphanet 308386, Orphanet 833, MedGen C1854988, MONDO:0009643, OMIM 252150.

Allele frequency attached by ClinVar (database versions not stated): TOPMed below 0.00001.

Submission:

Labcorp Genetics (formerly Invitae), Labcorp
Classification: Uncertain significance for Sulfite oxidase deficiency due to molybdenum cofactor deficiency type A. Last evaluated: 2021-02-17. Review status: criteria provided, single submitter. Criteria: Invitae Variant Classification Sherloc (09022015). Collection method: clinical testing. Allele origin: germline.
Comment: This sequence change falls in intron 8 of the MOCS1 gene. It does not directly change the encoded amino acid sequence of the MOCS1 protein. It affects a nucleotide within the consensus splice site of the intron. This variant is not present in population databases (ExAC no frequency). This variant has not been reported in the literature in individuals with MOCS1-related conditions. Nucleotide substitutions within the consensus splice site are a relatively common cause of aberrant splicing (PMID: 17576681, 9536098). Algorithms developed to predict the effect of sequence changes on RNA splicing suggest that this variant is not likely to affect RNA splicing, but this prediction has not been confirmed by published transcriptional studies. In summary, the available evidence is currently insufficient to determine the role of this variant in disease. Therefore, it has been classified as a Variant of Uncertain Significance.

Literature cited by the submitters: PubMed 17576681; PubMed 9536098.

NM_001358530.2(MOCS1):c.981+6C>T

Gene: MOCS1 (molybdenum cofactor synthesis 1; minus strand). Cytogenetic location: 6p21.2.
Variant type: single nucleotide variant.
Coding change: c.981+6C>T on transcript NM_001358530.2 (MANE Select); 6 bases into the intron after coding-DNA position 981, C replaced by T.
Molecular consequence: intron variant.
Genome position (GRCh38, 1-based): chr6:39,912,258, G>A on the plus strand (C>T on the coding strand, the complement: MOCS1 is on the minus strand). VCF-style: chr6-39912258-G-A. GRCh37 (hg19) VCF-style: chr6-39880002-G-A.
Other names: c.720+6C>T (NM_001358531.2, NM_001358533.2, NM_001358534.2); c.981+6C>T (NM_001358529.2, NM_001075098.4, NM_005943.6).
Identifiers: ClinVar variation 1446928 (VCV001446928.3), dbSNP rs1249720881, ClinGen allele CA824627556.